The following is an entry in ClinVar:

NM_003070.5(SMARCA2):c.669GCA[15] (p.Gln238_Pro239insGlnGln)

Gene: SMARCA2 (SWI/SNF related BAF chromatin remodeling complex subunit ATPase 2; plus strand). Cytogenetic location: 9p24.3.
Variant type: Microsatellite.
Coding change: c.669GCA[15] on transcript NM_003070.5 (MANE Select); 15 copies in a row of the 3-base unit GCA starting at c.669; the reference has 13 copies in a row; two copies, 6 bases duplicated.
Protein change: p.Gln238_Pro239insGlnGln.
Molecular consequence: inframe insertion. On other transcripts: inframe indel (1).
Genome position (GRCh38, 1-based): chr9:2,039,812-2,039,817, GCAGCA duplicated; duplicating any 6 consecutive bases within chr9:2,039,777-2,039,817 gives the same sequence; the position shown is the placement nearest the transcript's 3' end. VCF-style (leftmost placement, unchanged base first): chr9-2039776-A-ACAGCAG. GRCh37 (hg19) VCF-style: chr9-2039776-A-ACAGCAG.
Other names: c.669_671GCA[15], p.Gln238_Pro239insGlnGln (NM_001289396.2); c.669GCA[15], p.Gln238_Pro239insGlnGln (NM_001289397.2, NM_139045.4); c.702_707dupGCAGCA (NM_003070.3).
Identifiers: ClinVar variation 436800 (VCV000436800.40), dbSNP rs113070757, ClinGen allele CA249044.

ClinVar aggregate classification (germline): Benign/Likely benign. Review status: criteria provided, multiple submitters, no conflicts (2 of 4 stars). 11 submissions from 11 submitters: Benign (3); Likely benign (4). 4 of the submissions do not count toward it. Last evaluated 2025-02-16.

Conditions:
Inborn genetic diseases. Identifiers: MedGen C0950123, MeSH D030342.

Submissions (11):

Laboratory of Genetics, Children's Clinical University Hospital Latvia
Classification: Benign. Last evaluated: 2025-02-16. Review status: criteria provided, single submitter. Criteria: ACMG Guidelines, 2015. Collection method: clinical testing. Allele origin: germline. Affected: yes.

CeGaT Center for Human Genetics Tuebingen
Classification: Benign. Last evaluated: 2024-12-01. Review status: criteria provided, single submitter. Criteria: CeGaT Center For Human Genetics Tuebingen Variant Classification Criteria Version 2. Collection method: clinical testing. Allele origin: germline. Affected: yes. Observed: 2 variant alleles.
Comment: SMARCA2: BP3, BS1, BS2

Labcorp Genetics (formerly Invitae), Labcorp
Classification: Likely benign. Last evaluated: 2024-05-06. Review status: criteria provided, single submitter. Criteria: Invitae Variant Classification Sherloc (09022015). Collection method: clinical testing. Allele origin: germline.

GeneDx
Classification: Likely benign. Last evaluated: 2020-11-20. Review status: criteria provided, single submitter. Criteria: GeneDx Variant Classification Process June 2021. Collection method: clinical testing. Allele origin: germline. Affected: yes.

Ambry Genetics
Classification: Likely benign for Inborn genetic diseases. Last evaluated: 2019-01-08. Review status: criteria provided, single submitter. Criteria: Ambry Variant Classification Scheme 2023. Collection method: clinical testing. Allele origin: germline.

Genetic Services Laboratory, University of Chicago
Classification: Benign. Last evaluated: 2018-04-09. Review status: criteria provided, single submitter. Criteria: ACMG Guidelines, 2015. Collection method: clinical testing. Allele origin: germline. Affected: no.

Genomic Diagnostic Laboratory, Division of Genomic Diagnostics, Children's Hospital of Philadelphia
Classification: Likely benign. Last evaluated: 2015-05-12. Review status: criteria provided, single submitter. Criteria: DGD Variant Analysis Guidelines. Collection method: clinical testing. Allele origin: unknown.

Clinical Genetics DNA and cytogenetics Diagnostics Lab, Erasmus MC, Erasmus Medical Center
Classification: Benign. Review status: no assertion criteria provided. Collection method: clinical testing. Allele origin: germline. Affected: yes. Study: VKGL Data-share Consensus. Not counted in ClinVar's aggregate classification.

Diagnostic Laboratory, Department of Genetics, University Medical Center Groningen
Classification: Benign. Review status: no assertion criteria provided. Collection method: clinical testing. Allele origin: germline. Affected: yes. Study: VKGL Data-share Consensus. Not counted in ClinVar's aggregate classification.

Genome Diagnostics Laboratory, University Medical Center Utrecht
Classification: Likely benign. Review status: no assertion criteria provided. Collection method: clinical testing. Allele origin: germline. Affected: yes. Study: VKGL Data-share Consensus. Not counted in ClinVar's aggregate classification.

Laboratory of Diagnostic Genome Analysis, Leiden University Medical Center (LUMC)
Classification: Likely benign. Review status: no assertion criteria provided. Collection method: clinical testing. Allele origin: germline. Affected: yes. Study: VKGL Data-share Consensus. Not counted in ClinVar's aggregate classification.